The following is an entry in ClinVar:

ClinVar aggregate classification (germline): Uncertain significance (1 of 4 stars; one submission).

Conditions:
Amyotrophic lateral sclerosis type 4 (ALS4). Also called: AMYOTROPHIC LATERAL SCLEROSIS 4, JUVENILE; NEURONOPATHY, DISTAL HEREDITARY MOTOR, WITH PYRAMIDAL FEATURES. Identifiers: Orphanet 357043, MedGen C1865409, MONDO:0011223, OMIM 602433.
Spinocerebellar ataxia, autosomal recessive, with axonal neuropathy 2 (SCAN2). Also called: Ataxia with Oculomotor Apraxia; Ataxia-ocular apraxia-2; Ataxia with Oculomotor Apraxia Type 2; ATAXIA-OCULOMOTOR APRAXIA 2. Identifiers: Orphanet 64753, MedGen C1853761, MONDO:0018996, OMIM 606002.

Submission:

Labcorp Genetics (formerly Invitae), Labcorp
Classification: Uncertain significance for Amyotrophic lateral sclerosis type 4; Spinocerebellar ataxia, autosomal recessive, with axonal neuropathy 2. Last evaluated: 2025-09-02. Review status: criteria provided, single submitter. Criteria: Invitae Variant Classification Sherloc (09022015). Collection method: clinical testing. Allele origin: germline.
Comment: This variant, c.3796_3798del, results in the deletion of 1 amino acid(s) of the SETX protein (p.Pro1266del), but otherwise preserves the integrity of the reading frame. This variant is not present in population databases (gnomAD no frequency). This variant has not been reported in the literature in individuals affected with SETX-related conditions. ClinVar contains an entry for this variant (Variation ID: 1516200). Experimental studies and prediction algorithms are not available or were not evaluated, and the functional significance of this variant is currently unknown. In summary, the available evidence is currently insufficient to determine the role of this variant in disease. Therefore, it has been classified as a Variant of Uncertain Significance.

NM_015046.7(SETX):c.3796_3798del (p.Pro1266del)

Gene: SETX (senataxin; minus strand). Cytogenetic location: 9q34.13.
Variant type: Deletion.
Coding change: c.3796_3798del on transcript NM_015046.7 (MANE Select); coding-DNA positions 3796 to 3798, 3 bases deleted (CCT; older notation c.3796_3798delCCT).
Protein change: p.Pro1266del; deletes proline 1266.
Molecular consequence: inframe deletion.
Genome position (GRCh38, 1-based): chr9:132,327,800-132,327,802, AGG deleted on the plus strand (CCT on the coding strand, the reverse complement: SETX is on the minus strand); deleting any 3 consecutive bases within chr9:132,327,800-132,327,804 gives the same sequence; the c. name uses the placement nearest the transcript's 3' end. VCF-style (leftmost placement, unchanged base first): chr9-132327799-CAGG-C. GRCh37 (hg19) VCF-style: chr9-135203186-CAGG-C.
Other names: c.3796_3798del, p.Pro1266del (NM_001351527.2, NM_001351528.2); short protein forms P1266del.
Identifiers: ClinVar variation 1516200 (VCV001516200.8), dbSNP rs2131439346, ClinGen allele CA2573144033.